The following is an entry in ClinVar:

ClinVar aggregate classification (germline): Uncertain significance (1 of 4 stars; one submission).

Submission:

CeGaT Center for Human Genetics Tuebingen
Classification: Uncertain significance. Last evaluated: 2025-12-01. Review status: criteria provided, single submitter. Criteria: CeGaT Center For Human Genetics Tuebingen Variant Classification Criteria Version 2. Collection method: clinical testing. Allele origin: germline. Affected: yes. Observed: 1 variant allele.
Comment: TAF1: PM2

NM_004606.5(TAF1):c.4908C>G (p.Asp1636Glu)

Gene: TAF1 (TATA-box binding protein associated factor 1; plus strand). Cytogenetic location: Xq13.1.
Variant type: single nucleotide variant.
Coding change: c.4908C>G on transcript NM_004606.5 (MANE Select); coding-DNA position 4908, C replaced by G.
Protein change: p.Asp1636Glu; replaces aspartic acid 1636 with glutamic acid.
Molecular consequence: missense variant. On other transcripts: non-coding transcript variant (9).
Genome position (GRCh38, 1-based): chrX:71,454,827, C>G. VCF-style: chrX-71454827-C-G. GRCh37 (hg19) VCF-style: chrX-70674677-C-G.
Other names: c.4908C>G, p.Asp1636Glu (NM_001286074.2, NM_001440852.1, NM_001440853.1); c.4845C>G, p.Asp1615Glu (NM_001440854.1, NM_138923.4); short protein forms D1615E, D1636E.
Identifiers: ClinVar variation 4681925 (VCV004681925.5).